The following is an entry in ClinVar:

ClinVar aggregate classification (germline): Conflicting classifications of pathogenicity. Review status: criteria provided, conflicting classifications (1 of 4 stars). 2 submissions from 2 submitters: Uncertain significance (1); Likely benign (1). Last evaluated 2026-01-22.

Conditions:
KBG syndrome (KBGS). Also called: ANKRD11-Related KBG Syndrome. Identifiers: Orphanet 2332, MedGen C0220687, MONDO:0007846, OMIM 148050.

Allele frequency attached by ClinVar (database versions not stated): gnomAD 0.00003; TOPMed 0.00005; ExAC 0.00006.
gnomAD v4.1: 106 of 1,606,800 alleles (0.0066%); highest among the groups gnomAD compares: Non-Finnish European, 0.008%; no homozygotes.

Submissions (2):

Labcorp Genetics (formerly Invitae), Labcorp
Classification: Uncertain significance for KBG syndrome. Last evaluated: 2026-01-22. Review status: criteria provided, single submitter. Criteria: Invitae Variant Classification Sherloc (09022015). Collection method: clinical testing. Allele origin: germline.
Comment: This sequence change replaces aspartic acid, which is acidic and polar, with glutamic acid, which is acidic and polar, at codon 1912 of the ANKRD11 protein (p.Asp1912Glu). This variant is present in population databases (rs765117665, gnomAD 0.01%). This variant has not been reported in the literature in individuals affected with ANKRD11-related conditions. ClinVar contains an entry for this variant (Variation ID: 2725524). Invitae Evidence Modeling of protein sequence and biophysical properties (such as structural, functional, and spatial information, amino acid conservation, physicochemical variation, residue mobility, and thermodynamic stability) indicates that this missense variant is not expected to disrupt ANKRD11 protein function with a negative predictive value of 95%. In summary, the available evidence is currently insufficient to determine the role of this variant in disease. Therefore, it has been classified as a Variant of Uncertain Significance.

Blueprint Genetics
Classification: Likely benign. Last evaluated: 2024-11-08. Review status: criteria provided, single submitter. Criteria: ACMG Guidelines, 2015. Collection method: clinical testing. Allele origin: germline.

NM_013275.6(ANKRD11):c.5736C>A (p.Asp1912Glu)

Gene: ANKRD11 (ankyrin repeat domain 11; minus strand). Cytogenetic location: 16q24.3.
Variant type: single nucleotide variant.
Coding change: c.5736C>A on transcript NM_013275.6 (MANE Select); coding-DNA position 5736, C replaced by A.
Protein change: p.Asp1912Glu; replaces aspartic acid 1912 with glutamic acid.
Molecular consequence: missense variant.
Genome position (GRCh38, 1-based): chr16:89,280,806, G>T on the plus strand (C>A on the coding strand, the complement: ANKRD11 is on the minus strand). VCF-style: chr16-89280806-G-T. GRCh37 (hg19) VCF-style: chr16-89347214-G-T.
Other names: c.5736C>A, p.Asp1912Glu (NM_001256182.2, NM_001256183.2); short protein forms D1912E.
Identifiers: ClinVar variation 2725524 (VCV002725524.4), dbSNP rs765117665, ClinGen allele CA8241740.